The following is an entry in ClinVar:

NM_000051.4(ATM):c.9103C>T (p.Leu3035Phe)

Genes: ATM (ATM serine/threonine kinase; plus strand), C11orf65 (chromosome 11 open reading frame 65; minus strand). Cytogenetic location: 11q22.3.
Variant type: single nucleotide variant.
Coding change: c.9103C>T on transcript NM_000051.4 (MANE Select); coding-DNA position 9103, C replaced by T.
Protein change: p.Leu3035Phe; replaces leucine 3035 with phenylalanine.
Molecular consequence: missense variant. On other transcripts: intron variant (2).
Genome position (GRCh38, 1-based): chr11:108,365,440, C>T. VCF-style: chr11-108365440-C-T. GRCh37 (hg19) VCF-style: chr11-108236167-C-T.
Other names: NM_000051.4(ATM):c.9103C>T; c.9103C>T, p.Leu3035Phe (NM_001351834.2); c.640+20480G>A (NM_001330368.2); c.694+20480G>A (NM_001351110.2); short protein forms L3035F.
Identifiers: ClinVar variation 232110 (VCV000232110.14), dbSNP rs866769874, ClinGen allele CA10579342.

ClinVar aggregate classification (germline): Likely pathogenic. Review status: reviewed by expert panel (3 of 4 stars). 5 submissions from 5 submitters: Likely pathogenic (1). 4 of the submissions do not count toward it. Last evaluated 2025-06-11.

Conditions:
Hereditary cancer-predisposing syndrome. Also called: Neoplastic Syndromes, Hereditary; Hereditary neoplastic syndrome; Tumor predisposition; Hereditary Cancer Syndrome. Identifiers: Orphanet 140162, MedGen C0027672, MeSH D009386, MONDO:0015356.
ATM-related cancer predisposition. Also called: ATM-related cancer susceptibility. Identifiers: MedGen CN377759, MONDO:0700270.
Ataxia-telangiectasia syndrome (AT). Also called: Ataxia telangiectasia (A-T); Cerebello-oculocutaneous telangiectasia; Immunodeficiency with ataxia telangiectasia; LOUIS-BAR SYNDROME; AT, COMPLEMENTATION GROUP C; ATAXIA-TELANGIECTASIA, FRESNO VARIANT. Identifiers: Orphanet 100, MedGen C0004135, MONDO:0008840, OMIM 208900.

Submissions (5):

ClinGen Hereditary Breast, Ovarian and Pancreatic Cancer Variant Curation Expert Panel, ClinGen
Classification: Likely pathogenic for ATM-related cancer predisposition. Last evaluated: 2025-06-11. Review status: reviewed by expert panel. Criteria: ClinGen HBOP ACMG Specifications ATM V1.3.0. Collection method: curation. Allele origin: germline. Inheritance: Autosomal dominant inheritance.
Comment: The c.9103C>T variant in ATM is a missense variant predicted to cause substitution of leucine by phenylalanine at amino acid 3035 (p.Leu3035Phe). This variant has been detected in at least two unrelated individuals with Ataxia-Telangiectasia (PMIDs: 16941484, 30549301). This variant is absent in gnomAD v4.1.0. The computational predictor REVEL gives a score of 0.963, which is above the threshold of 0.733, evidence that correlates with impact to ATM function. In summary, this variant meets criteria to be classified as pathogenic for autosomal dominant ATM-related cancer predisposition and autosomal recessive Ataxia-Telangiectasia based on the ACMG/AMP criteria applied as specified by the HBOP VCEP. (PM3_ Strong, PM2_Supporting, PP3)

Natera, Inc.
Classification: Likely pathogenic for Ataxia-telangiectasia. Last evaluated: 2025-09-02. Review status: criteria provided, single submitter. Criteria: Natera Variant Classification Schema (03/2026). Collection method: clinical testing. Allele origin: germline. Not counted in ClinVar's aggregate classification.
Comment: The c.9103C>T variant in ATM is a missense variant predicted to cause substitution of leucine to phenylalanine at amino acid 3035. This variant is rare in the general population with a frequency below the threshold expected for the associated phenotype(s). This variant has been observed in one or more individuals affected with the associated recessive disease, as either homozygous or compound heterozygous with a second variant (PMID: 16941484, 30549301). This variant has been identified in one or more affected individual with a phenotype highly consistent with the associated gene (PMID: 16941484, 30549301). Computational prediction algorithms indicate this variant is likely to affect gene or protein function. Given the available evidence, this variant is classified as Likely Pathogenic.

Ambry Genetics
Classification: Likely pathogenic for Hereditary cancer-predisposing syndrome. Last evaluated: 2025-08-05. Review status: criteria provided, single submitter. Criteria: Ambry Variant Classification Scheme 2023. Collection method: clinical testing. Allele origin: germline. Not counted in ClinVar's aggregate classification.
Comment: The p.L3035F variant (also known as c.9103C>T), located in coding exon 62 of the ATM gene, results from a C to T substitution at nucleotide position 9103. The leucine at codon 3035 is replaced by phenylalanine, an amino acid with highly similar properties. This variant has been identified in the homozygous state and/or in conjunction with other ATM variant(s) in individual(s) with features consistent with ataxia telangiectasia (Cavalieri S et al., Hum. Mutat. 2006 Oct; 27(10):1061). Based on internal structural analysis, this variant is more disruptive than known pathogenic variants (Lee JH and Paull TT, Oncogene 2007 Dec; 26(56):7741-8). This amino acid position is highly conserved in available vertebrate species. In addition, this alteration is predicted to be deleterious by in silico analysis. This variant is considered to be rare based on population cohorts in the Genome Aggregation Database (gnomAD). Based on the majority of available evidence to date, this variant is likely to be pathogenic.

Labcorp Genetics (formerly Invitae), Labcorp
Classification: Uncertain significance for Ataxia-telangiectasia syndrome. Last evaluated: 2022-03-21. Review status: criteria provided, single submitter. Criteria: Invitae Variant Classification Sherloc (09022015). Collection method: clinical testing. Allele origin: germline. Not counted in ClinVar's aggregate classification.
Comment: This sequence change replaces leucine, which is neutral and non-polar, with phenylalanine, which is neutral and non-polar, at codon 3035 of the ATM protein (p.Leu3035Phe). This variant is not present in population databases (gnomAD no frequency). This missense change has been observed in individual(s) with clinical features of autosomal recessive ataxia-telangiectasia (PMID: 16941484, 26896183, 30549301). ClinVar contains an entry for this variant (Variation ID: 232110). Advanced modeling of protein sequence and biophysical properties (such as structural, functional, and spatial information, amino acid conservation, physicochemical variation, residue mobility, and thermodynamic stability) performed at Invitae indicates that this missense variant is expected to disrupt ATM protein function. In summary, the available evidence is currently insufficient to determine the role of this variant in disease. Therefore, it has been classified as a Variant of Uncertain Significance.

Broad Center for Mendelian Genomics, Broad Institute of MIT and Harvard
Classification: Uncertain significance for Ataxia-telangiectasia syndrome. Last evaluated: 2018-11-15. Review status: criteria provided, single submitter. Criteria: ACMG Guidelines, 2015. Collection method: research. Allele origin: germline. Inheritance: Autosomal recessive inheritance. Affected: yes. Not counted in ClinVar's aggregate classification.
Comment: The homozygous p.Leu3035Phe variant in ATM was identified by our study in one indivisual with Ataxia-Telangiectasia. This variant has been reported as a VUS in ClinVar by Ambry Genetics (ClinVar ID: 232110). This variant has been reported in the literature in the compound heterozygous state alongside the pathogenic variant p.Tyr111Ter (Cavaliere et al. 2006; PMID: 16941484). This variant was absent from large population studies. This variant has been reported in the literature in the compound heterozygous state alongside the pathogenic variant p.Tyr111Ter (Cavaliere et al. 2006; PMID: 16941484). Computational prediction tools and conservation analyses suggest that this variant may impact the protein, though this information is not predictive enough to determine pathogenicity. In summary, while there is some suspicion for a pathogenic role, the clinical significance of the p.Leu3035Phe variant is uncertain.

Literature cited by the submitters: PubMed 16941484 (cited by 4 submitters); PubMed 30549301 (cited by Natera, Inc. and Labcorp Genetics (formerly Invitae), Labcorp); PubMed 18066086 (cited by Ambry Genetics); PubMed 26896183 (cited by Labcorp Genetics (formerly Invitae), Labcorp).